The following is an entry in ClinVar:

ClinVar aggregate classification (germline): Uncertain significance (1 of 4 stars; one submission).

Conditions:
Congenital myasthenic syndrome 12 (CMS12). Also called: MYASTHENIC SYNDROME, CONGENITAL, WITH TUBULAR AGGREGATES 1; Myasthenia, congenital, 12, with tubular aggregates. Identifiers: Orphanet 353327, Orphanet 590, MedGen C3552335, MONDO:0012518, OMIM 610542.

Submission:

Labcorp Genetics (formerly Invitae), Labcorp
Classification: Uncertain significance for Congenital myasthenic syndrome 12. Last evaluated: 2026-01-12. Review status: criteria provided, single submitter. Criteria: Invitae Variant Classification Sherloc (09022015). Collection method: clinical testing. Allele origin: germline.
Comment: This sequence change replaces phenylalanine, which is neutral and non-polar, with valine, which is neutral and non-polar, at codon 135 of the GFPT1 protein (p.Phe135Val). This variant is not present in population databases (gnomAD no frequency). This variant has not been reported in the literature in individuals affected with GFPT1-related conditions. ClinVar contains an entry for this variant (Variation ID: 2094932). Invitae Evidence Modeling of protein sequence and biophysical properties (such as structural, functional, and spatial information, amino acid conservation, physicochemical variation, residue mobility, and thermodynamic stability) indicates that this missense variant is not expected to disrupt GFPT1 protein function with a negative predictive value of 80%. In summary, the available evidence is currently insufficient to determine the role of this variant in disease. Therefore, it has been classified as a Variant of Uncertain Significance.

NM_001244710.2(GFPT1):c.403T>G (p.Phe135Val)

Gene: GFPT1 (glutamine--fructose-6-phosphate transaminase 1; minus strand). Cytogenetic location: 2p13.3.
Variant type: single nucleotide variant.
Coding change: c.403T>G on transcript NM_001244710.2 (MANE Select); coding-DNA position 403, T replaced by G.
Protein change: p.Phe135Val; replaces phenylalanine 135 with valine.
Molecular consequence: missense variant.
Genome position (GRCh38, 1-based): chr2:69,359,273, A>C on the plus strand (T>G on the coding strand, the complement: GFPT1 is on the minus strand). VCF-style: chr2-69359273-A-C. GRCh37 (hg19) VCF-style: chr2-69586405-A-C.
Other names: c.403T>G, p.Phe135Val (NM_002056.4); short protein forms F135V.
Identifiers: ClinVar variation 2094932 (VCV002094932.4), dbSNP rs2466115925, ClinGen allele CA347132471.